The following is an entry in ClinVar:

NM_000180.4(GUCY2D):c.74C>T (p.Ser25Phe)

Gene: GUCY2D (guanylate cyclase 2D, retinal; plus strand). Cytogenetic location: 17p13.1.
Variant type: single nucleotide variant.
Coding change: c.74C>T on transcript NM_000180.4 (MANE Select); coding-DNA position 74, C replaced by T.
Protein change: p.Ser25Phe; replaces serine 25 with phenylalanine.
Molecular consequence: missense variant.
Genome position (GRCh38, 1-based): chr17:8,003,121, C>T. VCF-style: chr17-8003121-C-T. GRCh37 (hg19) VCF-style: chr17-7906439-C-T.
Other names: NM_000180.4(GUCY2D):c.74C>T; p.Ser25Phe; short protein forms S25F.
Identifiers: ClinVar variation 444397 (VCV000444397.57), dbSNP rs557108466, ClinGen allele CA8365468.

ClinVar aggregate classification (germline): Benign. Review status: reviewed by expert panel (3 of 4 stars). 7 submissions from 7 submitters: Benign (1). 6 of the submissions do not count toward it. Last evaluated 2025-01-30.

Conditions:
GUCY2D-related recessive retinopathy. Also called: Recessive GUCY2D retinopathy. Identifiers: MedGen CN305603, MONDO:0100453.
Leber congenital amaurosis 1 (LCA1). Also called: AMAUROSIS CONGENITA OF LEBER I; RETINAL BLINDNESS, CONGENITAL; Congenital absence of the rods and cones; Leber's congenital tapetoretinal degeneration; Leber's congenital tapetoretinal dysplasia. Identifiers: Orphanet 65, MedGen C2931258, MONDO:0008764, OMIM 204000.
Choroidal dystrophy, central areolar, 1. Identifiers: Orphanet 75377, MedGen C4551884, MONDO:0024539, OMIM 215500.
Cone-rod dystrophy 6 (CORD6). Also called: RETINAL CONE DYSTROPHY 2; Cone dystrophy progressive. Identifiers: Orphanet 1872, MedGen C1866293, MONDO:0011143, OMIM 601777.
Night blindness, congenital stationary, type1i. Also called: NIGHT BLINDNESS, CONGENITAL STATIONARY, TYPE 1I. Identifiers: MedGen C5231408, MONDO:0032811, OMIM 618555.
Progressive cone dystrophy (without rod involvement). Identifiers: MedGen C0271092.
GUCY2D-related disorder. Also called: GUCY2D-related condition.

Allele frequency attached by ClinVar (database versions not stated): 1000 Genomes Project 0.00040; ExAC 0.00081; 1000 Genomes Project 30x 0.00109; gnomAD exomes 0.00226 and 0.00378; gnomAD 0.00228 and 0.00229; TOPMed 0.00240.
gnomAD v4.1: 5,454 of 1,517,112 alleles (0.36%); highest among the groups gnomAD compares: Non-Finnish European, 0.44%; 9 homozygotes.

Submissions (7):

ClinGen Leber Congenital Amaurosis/early Onset Retinal Dystrophy Variant Curation Expert Panel, ClinGen
Classification: Benign for GUCY2D-related recessive retinopathy. Last evaluated: 2025-01-30. Review status: reviewed by expert panel. Criteria: ClinGen LCAeoRD ACMG Specifications GUCY2D V1.0.0. Collection method: curation. Allele origin: germline. Inheritance: Autosomal recessive inheritance.
Comment: The NM_000180.4(GUCY2D):c.74C>T (p.Ser25Phe) variant is expected to replace the serine at position p.25 with phenylalanine. This variant is present in gnomAD v.4.1.0 at a GrpMax allele frequency of 0.004327, with 5044 alleles / 1138600 total alleles in the European (non-Finnish) population, which is higher than the ClinGen LCA / eoRD VCEP BS1 threshold of >0.0016 (BS1). This variant has been found in the homozygous state in 8 adult individuals in gnomAD which exceeds the LCA/eoRD VCEP threshold of ≥6 (gnomAD version 4.1.0; BS2). The computational predictor REVEL gives a score of 0.146, which is below the ClinGen LCA/eoRD VCEP threshold of ≤0.183 and predicts a non-damaging effect on RetGC-1 protein function. In addition, the splicing impact predictor SpliceAI gives a delta score of 0.0, which is below the ClinGen LCA/eoRD VCEP recommended threshold of <0.1 and does not predict an impact on splicing (BP4_Moderate). This variant has been reported in a proband with early-onset severe retinal dystrophy in the heterozygous state, either in cis or in trans with the NM_000180.4(GUCY2D):c.2516C>G (p.Thr839Arg) variant, which has been previously reported in association with GUCY2D-related dominant retinopathy (PMID: 35205358). Since the carrier status of this variant in a patient with an alternative cause of disease does not support or refute the evidence that this variant may cause disease, the BP2 code is not met. In summary, this variant meets the criteria to be classified as Benign for GUCY2D-related recessive retinopathy based on the ACMG/AMP criteria applied, as specified by the ClinGen LCA/eoRD VCEP: BS1, BS2, BP4_Moderate. (VCEP specifications version 1.0.0; date of approval 01/22/2025).

CeGaT Center for Human Genetics Tuebingen
Classification: Uncertain significance. Last evaluated: 2026-06-01. Review status: criteria provided, single submitter. Criteria: CeGaT Center For Human Genetics Tuebingen Variant Classification Criteria Version 2. Collection method: clinical testing. Allele origin: germline. Affected: yes. Observed: 6 variant alleles. Not counted in ClinVar's aggregate classification.

Labcorp Genetics (formerly Invitae), Labcorp
Classification: Likely benign for Leber congenital amaurosis 1; Cone-rod dystrophy 6. Last evaluated: 2026-02-02. Review status: criteria provided, single submitter. Criteria: Invitae Variant Classification Sherloc (09022015). Collection method: clinical testing. Allele origin: germline. Not counted in ClinVar's aggregate classification.

PreventionGenetics, part of Exact Sciences
Classification: Likely benign for GUCY2D-related condition. Last evaluated: 2025-05-13. Review status: criteria provided, single submitter. Criteria: ACMG Guidelines, 2015. Collection method: clinical testing. Allele origin: germline. Not counted in ClinVar's aggregate classification.
Comment: This variant is classified as likely benign based on ACMG/AMP sequence variant interpretation guidelines (Richards et al. 2015 PMID: 25741868, with internal and published modifications).

Blueprint Genetics
Classification: Likely benign. Last evaluated: 2024-11-15. Review status: criteria provided, single submitter. Criteria: ACMG Guidelines, 2015. Collection method: clinical testing. Allele origin: germline. Not counted in ClinVar's aggregate classification.

Department of Pathology and Laboratory Medicine, Sinai Health System
Classification: Uncertain significance for Leber congenital amaurosis 1; Choroidal dystrophy, central areolar, 1; Cone-rod dystrophy 6; Night blindness, congenital stationary, type1i. Last evaluated: 2021-07-30. Review status: criteria provided, single submitter. Criteria: ACMG Guidelines, 2015. Collection method: research. Allele origin: germline. Not counted in ClinVar's aggregate classification.

Department of Clinical Genetics, Copenhagen University Hospital, Rigshospitalet
Classification: Uncertain significance for Progressive cone dystrophy (without rod involvement). Last evaluated: 2018-04-01. Review status: no assertion criteria provided. Collection method: research. Allele origin: unknown. Affected: yes. Study: VeluxRD. Not counted in ClinVar's aggregate classification.

Literature cited by the submitters: PubMed 30718709 (cited by Department of Clinical Genetics, Copenhagen University Hospital, Rigshospitalet).